The following is an entry in ClinVar:

ClinVar aggregate classification (germline): Uncertain significance. Review status: criteria provided, multiple submitters, no conflicts (2 of 4 stars). 9 submissions from 9 submitters: Uncertain significance (8). 1 of the submissions does not count toward it. Last evaluated 2026-01-26.

Conditions:
CEP290-related ciliopathy. Also called: CEP290 ciliopathy. Identifiers: MedGen CN305601, MONDO:0100451.
CEP290-related disorder. Also called: CEP290-related condition; CEP290-related disorders. Identifiers: MedGen CN239314.
Nephronophthisis. Also called: Juvenile Nephronophthisis. Identifiers: Orphanet 655, MedGen C0687120, MONDO:0019005, HP:0000090.
Meckel-Gruber syndrome. Also called: Dysencephalia splachnocystica; DYSENCEPHALIA SPLANCHNOCYSTICA; GRUBER SYNDROME. Identifiers: Orphanet 564, MedGen C0265215, MONDO:0018921.
Joubert syndrome. Also called: JOUBERT-BOLTSHAUSER SYNDROME; Familial aplasia of the vermis. Identifiers: Orphanet 475, MedGen C5979921, MONDO:0018772.
Inborn genetic diseases. Identifiers: MedGen C0950123, MeSH D030342.
Joubert syndrome 5 (JBTS5). Identifiers: Orphanet 2318, MedGen C1857780, MONDO:0012432, OMIM 610188.
Bardet-Biedl syndrome 14 (BBS14). Identifiers: Orphanet 110, MedGen C2673874, MONDO:0014442, OMIM 615991.
Meckel syndrome, type 4 (MKS4). Also called: MECKEL-GRUBER SYNDROME, TYPE 4. Identifiers: Orphanet 564, MedGen C1970161, MONDO:0012626, OMIM 611134.
Senior-Loken syndrome 6 (SLSN6). Identifiers: Orphanet 3156, MedGen C1857779, MONDO:0012433, OMIM 610189.
Leber congenital amaurosis 10 (LCA10). Identifiers: Orphanet 65, MedGen C1857821, MONDO:0012723, OMIM 611755.
Leber congenital amaurosis (LCA). Also called: Leber's amaurosis. Identifiers: Orphanet 65, MedGen C0339527, MeSH D057130, MONDO:0018998.

Allele frequency attached by ClinVar (database versions not stated): gnomAD exomes 0.00001 and 0.00002; TOPMed 0.00002; gnomAD 0.00003; ExAC 0.00004.
gnomAD v4.1: 24 of 1,549,978 alleles (0.0015%); highest among the groups gnomAD compares: Middle Eastern, 0.068%; no homozygotes.

Submissions (9):

PreventionGenetics, part of Exact Sciences
Classification: Uncertain significance for CEP290-related condition. Last evaluated: 2026-01-26. Review status: criteria provided, single submitter. Criteria: ACMG Guidelines, 2015. Collection method: clinical testing. Allele origin: germline.
Comment: The CEP290 c.7070A>G variant is predicted to result in the amino acid substitution p.Glu2357Gly. To our knowledge, this variant has not been reported in the literature. This variant is reported in 0.0057% of alleles in individuals of European (Non-Finnish) descent in gnomAD. At this time, the clinical significance of this variant is uncertain due to the absence of conclusive functional and genetic evidence.

Revvity Omics, Revvity
Classification: Uncertain significance. Last evaluated: 2025-05-15. Review status: criteria provided, single submitter. Criteria: ACMG Guidelines, 2015. Collection method: clinical testing. Allele origin: germline.

Blueprint Genetics
Classification: Uncertain significance. Last evaluated: 2023-04-04. Review status: criteria provided, single submitter. Criteria: ACMG Guidelines, 2015. Collection method: clinical testing. Allele origin: germline.

Labcorp Genetics (formerly Invitae), Labcorp
Classification: Uncertain significance for Joubert syndrome; Meckel-Gruber syndrome; Nephronophthisis. Last evaluated: 2022-06-19. Review status: criteria provided, single submitter. Criteria: Invitae Variant Classification Sherloc (09022015). Collection method: clinical testing. Allele origin: germline.
Comment: This sequence change replaces glutamic acid, which is acidic and polar, with glycine, which is neutral and non-polar, at codon 2357 of the CEP290 protein (p.Glu2357Gly). This variant is present in population databases (rs759725378, gnomAD 0.006%). This variant has not been reported in the literature in individuals affected with CEP290-related conditions. ClinVar contains an entry for this variant (Variation ID: 424602). Algorithms developed to predict the effect of missense changes on protein structure and function (SIFT, PolyPhen-2, Align-GVGD) all suggest that this variant is likely to be tolerated. In summary, the available evidence is currently insufficient to determine the role of this variant in disease. Therefore, it has been classified as a Variant of Uncertain Significance.

Fulgent Genetics
Classification: Uncertain significance for Joubert syndrome 5; Senior-Loken syndrome 6; Meckel syndrome, type 4; Leber congenital amaurosis 10; Bardet-Biedl syndrome 14. Last evaluated: 2022-02-25. Review status: criteria provided, single submitter. Criteria: ACMG Guidelines, 2015. Collection method: clinical testing. Allele origin: unknown.

Department of Pathology and Laboratory Medicine, Sinai Health System
Classification: Uncertain significance for CEP290-related ciliopathy. Last evaluated: 2021-10-25. Review status: criteria provided, single submitter. Criteria: ACMG Guidelines, 2015. Collection method: research. Allele origin: germline.

GeneDx
Classification: Uncertain significance. Last evaluated: 2017-04-01. Review status: criteria provided, single submitter. Criteria: GeneDx Variant Classification (06012015). Collection method: clinical testing. Allele origin: germline. Affected: yes.
Comment: The E2357G variant in the CEP290 gene has not been reported previously as a pathogenic variant, nor as a benign variant, to our knowledge. The E2357G variant is not observed at a significant frequency in large population cohorts (Lek et al., 2016; 1000 Genomes Consortium et al., 2015; Exome Variant Server). The E2357G variant is a non-conservative amino acid substitution, which is likely to impact secondary protein structure as these residues differ in polarity, charge, size and/or other properties. This substitution occurs at a position that is not conserved. In silico analysis is inconsistent in its predictions as to whether or not the variant is damaging to the protein structure/function. We interpret E2357G as a variant of uncertain significance.

Ambry Genetics
Classification: Uncertain significance for Inborn genetic diseases. Last evaluated: 2014-06-06. Review status: criteria provided, single submitter. Criteria: Ambry exome assertion method (8-5-2015). Collection method: clinical testing. Allele origin: germline. Affected: yes. Observed: 1 variant allele.

Natera, Inc.
Classification: Uncertain significance for Leber congenital amaurosis. Last evaluated: 2019-10-28. Review status: no assertion criteria provided. Collection method: clinical testing. Allele origin: germline. Not counted in ClinVar's aggregate classification.

NM_025114.4(CEP290):c.7070A>G (p.Glu2357Gly)

Gene: CEP290 (centrosomal protein 290; minus strand). Cytogenetic location: 12q21.32.
Variant type: single nucleotide variant.
Coding change: c.7070A>G on transcript NM_025114.4 (MANE Select); coding-DNA position 7070, A replaced by G.
Protein change: p.Glu2357Gly; replaces glutamic acid 2357 with glycine.
Molecular consequence: missense variant.
Genome position (GRCh38, 1-based): chr12:88,053,711, T>C on the plus strand (A>G on the coding strand, the complement: CEP290 is on the minus strand). VCF-style: chr12-88053711-T-C. GRCh37 (hg19) VCF-style: chr12-88447488-T-C.
Other names: short protein forms E2357G.
Identifiers: ClinVar variation 424602 (VCV000424602.16), dbSNP rs759725378, ClinGen allele CA6711360.